The following is an entry in ClinVar:

ClinVar aggregate classification (germline): Uncertain significance (1 of 4 stars; one submission).

Conditions:
Inborn genetic diseases. Identifiers: MedGen C0950123, MeSH D030342.

Submission:

Ambry Genetics
Classification: Uncertain significance for Inborn genetic diseases. Last evaluated: 2025-07-01. Review status: criteria provided, single submitter. Criteria: Ambry Variant Classification Scheme 2023. Collection method: clinical testing. Allele origin: germline.
Comment: The p.Q1019L variant (also known as c.3056A>T), located in coding exon 30 of the RTEL1 gene, results from an A to T substitution at nucleotide position 3056. The glutamine at codon 1019 is replaced by leucine, an amino acid with dissimilar properties. This amino acid position is conserved. In addition, this alteration is predicted to be tolerated by in silico analysis. Based on the available evidence, the clinical significance of this variant remains unclear.

NM_001283009.2(RTEL1):c.3056A>T (p.Gln1019Leu)

Genes: RTEL1 (regulator of telomere elongation helicase 1; plus strand), RTEL1-TNFRSF6B (RTEL1-TNFRSF6B readthrough (NMD candidate); plus strand). Cytogenetic location: 20q13.33.
Variant type: single nucleotide variant.
Coding change: c.3056A>T on transcript NM_001283009.2 (MANE Select); coding-DNA position 3056, A replaced by T.
Protein change: p.Gln1019Leu; replaces glutamine 1019 with leucine.
Molecular consequence: missense variant. On other transcripts: non-coding transcript variant (1).
Genome position (GRCh38, 1-based): chr20:63,694,435, A>T. VCF-style: chr20-63694435-A-T. GRCh37 (hg19) VCF-style: chr20-62325788-A-T.
Other names: c.2387A>T, p.Gln796Leu (NM_001283010.1); c.3056A>T, p.Gln1019Leu (NM_016434.4); c.3128A>T, p.Gln1043Leu (NM_032957.5); short protein forms Q1043L, Q796L, Q1019L.
Identifiers: ClinVar variation 4157583 (VCV004157583.1).
Genomic context (GRCh38, chr20:63,694,435, plus strand): 5'-GAACGGCGCCGGATCCCAAGCTGACCGTGTCCACGGCTGCAGCCCAGCAGCTGGACCCCC[A>T]AGAGCACCTGAACCAGGGCAGGCCCCACCTGTCGCCCAGGCCACCCCCAACAGGTAGCTG-3'
Protein context (NP_001269938.1, residues 1009-1029): STAAAQQLDP[Gln1019Leu]EHLNQGRPHL